The following is an entry in ClinVar:

ClinVar aggregate classification (germline): Pathogenic (0 of 4 stars; one submission).

Submission:

Quest Diagnostics Nichols Institute San Juan Capistrano
Classification: Pathogenic. Last evaluated: 2021-01-04. Review status: no assertion criteria provided. Collection method: clinical testing. Allele origin: germline.
Comment: The copy number loss of 12q24.21 involves multiple exons (exons 5-7; NM_015335.5) of an intragenic portion of MED13L (OMIM 608771).The remaining exons are not involved in this deletion. This is an out-of-frame deletion and is predicted to disrupt expression of this gene. Haploinsufficiency of MED13L, mostly due to truncating variants and intragenic deletions, is associated with intellectual disability and distinctive facial features, with or without cardiac defects (MRFACD, OMIM 616789). While most MED13L pathogenic variants appear to be de novo, there is one report of two siblings who inherited the same intragenic deletion from their mosaic carrier mother (Torring et al., Eur J Med Genet 2019;62(2):129-136, PMID: 29959045; Smol et al. Neurogenetics. 2018 May;19(2):93-103. PMID: 29511999; Asadollahi et al. Eur J Med Genet. 2017 Sep;60(9):451-464. PMID: 28645799; Yamamoto et al. Am J Med Genet A. 2017 May;173(5):1264-1269. PMID: 28371282). Additionally, heterozygous missense variants of MED13L have been associated with autosomal dominant dextro-looped transposition of the great arteries-1 (OMIM 608808). However, there is evidence of incomplete penetrance for this phenotype (Muncke et al., Circulation 2003;108(23):2843-50, PMID: 14638541).

GRCh37/hg19 12q24.21(chr12:116456529-116488520)x1

Gene: MED13L (mediator complex subunit 13L; minus strand). Cytogenetic location: 12q24.21.
Variant type: copy number loss.
Change: copy number 1 (one copy instead of two) of chr12:116,456,529-116,488,520 (32.0 kb, GRCh37 coordinates, 1-based), cytogenetic band 12q24.21.
Identifiers: ClinVar variation 1340224 (VCV001340224.1).